The following is an entry in ClinVar:

ClinVar aggregate classification (germline): Uncertain significance (1 of 4 stars; one submission).

Conditions:
C3 glomerulonephritis. Also called: C3 GLOMERULOPATHY 3; Nephropathy due to CFHR5 Deficiency. Identifiers: Orphanet 329931, MedGen C4055342, MONDO:0013892, OMIM 614809.

Submission:

Genomenon, Inc
Classification: Uncertain significance for C3 glomerulonephritis. Last evaluated: 2025-09-30. Review status: criteria provided, single submitter. Criteria: Genomenon Sequence Variant Interpretation Standards. Collection method: curation. Allele origin: germline. Affected: yes.
Comment: C3 c.1269+1G>A is a canonical splice variant located in the donor splice region of intron 10. This variant has been observed in at least one proband affected with C3 glomerulonephritis (PMID:27146825). It is absent or not present at a significant frequency in gnomAD. In conclusion, we classify C3 c.1269+1G>A as a variant of uncertain significance.

Literature cited by the submitters: PubMed 27146825.

NM_000064.4(C3):c.1269+1G>A

Gene: C3 (complement C3; minus strand). Cytogenetic location: 19p13.3.
Variant type: single nucleotide variant.
Coding change: c.1269+1G>A on transcript NM_000064.4 (MANE Select); the canonical splice donor site of the intron after coding-DNA position 1269, G replaced by A.
Molecular consequence: splice donor variant.
Genome position (GRCh38, 1-based): chr19:6,712,256, C>T on the plus strand (G>A on the coding strand, the complement: C3 is on the minus strand). VCF-style: chr19-6712256-C-T. GRCh37 (hg19) VCF-style: chr19-6712267-C-T.
Identifiers: ClinVar variation 4280251 (VCV004280251.1).
Genomic context (GRCh38, chr19:6,712,256, plus strand): 5'-ACACCAGAACCCCTGTACCGTCTTCCCAGTGATGGGGTTCCGAGGCTGGGCCCAGACGCA[C>T]CGTGATGCTCAAGGGCTTCTGGCTGGGGTGTGTGTTGATGCTGAGTTTGGCCACGCCATC-3'